The following is an entry in ClinVar:

NM_005529.7(HSPG2):c.2681G>A (p.Cys894Tyr)

Gene: HSPG2 (heparan sulfate proteoglycan 2; minus strand). Cytogenetic location: 1p36.12.
Variant type: single nucleotide variant.
Coding change: c.2681G>A on transcript NM_005529.7 (MANE Select); coding-DNA position 2681, G replaced by A.
Protein change: p.Cys894Tyr; replaces cysteine 894 with tyrosine.
Molecular consequence: missense variant.
Genome position (GRCh38, 1-based): chr1:21,878,190, C>T on the plus strand (G>A on the coding strand, the complement: HSPG2 is on the minus strand). VCF-style: chr1-21878190-C-T. GRCh37 (hg19) VCF-style: chr1-22204683-C-T.
Other names: c.2684G>A, p.Cys895Tyr (NM_001291860.2); c.2681G>A (NM_005529.6); short protein forms C894Y, C895Y.
Identifiers: ClinVar variation 1417459 (VCV001417459.8), dbSNP rs2152751243, ClinGen allele CA338963951.

ClinVar aggregate classification (germline): Uncertain significance. Review status: criteria provided, multiple submitters, no conflicts (2 of 4 stars). 3 submissions from 3 submitters: Uncertain significance (3). Last evaluated 2023-01-03.

Conditions:
HSPG2-related disorder. Also called: HSPG2-related disorders; HSPG2-related condition.

Submissions (3):

PreventionGenetics, part of Exact Sciences
Classification: Uncertain significance for HSPG2-related condition. Last evaluated: 2023-01-03. Review status: criteria provided, single submitter. Criteria: ACMG Guidelines, 2015. Collection method: clinical testing. Allele origin: germline.
Comment: The HSPG2 c.2681G>A variant is predicted to result in the amino acid substitution p.Cys894Tyr. To our knowledge, this variant has not been reported in the literature or in a large population database, indicating this variant is rare. At this time, the clinical significance of this variant is uncertain due to the absence of conclusive functional and genetic evidence.

GeneDx
Classification: Uncertain significance. Last evaluated: 2022-02-25. Review status: criteria provided, single submitter. Criteria: GeneDx Variant Classification Process June 2021. Collection method: clinical testing. Allele origin: germline. Affected: yes.
Comment: Not observed at significant frequency in large population cohorts (gnomAD); In silico analysis supports that this missense variant has a deleterious effect on protein structure/function; Has not been previously published as pathogenic or benign to our knowledge

Labcorp Genetics (formerly Invitae), Labcorp
Classification: Uncertain significance. Last evaluated: 2021-11-04. Review status: criteria provided, single submitter. Criteria: Invitae Variant Classification Sherloc (09022015). Collection method: clinical testing. Allele origin: germline.
Comment: In summary, the available evidence is currently insufficient to determine the role of this variant in disease. Therefore, it has been classified as a Variant of Uncertain Significance. Algorithms developed to predict the effect of missense changes on protein structure and function are either unavailable or do not agree on the potential impact of this missense change (SIFT: "Deleterious"; PolyPhen-2: "Probably Damaging"; Align-GVGD: "Class C0"). This variant has not been reported in the literature in individuals affected with HSPG2-related conditions. This variant is not present in population databases (gnomAD no frequency). This sequence change replaces cysteine, which is neutral and slightly polar, with tyrosine, which is neutral and polar, at codon 894 of the HSPG2 protein (p.Cys894Tyr).